The following is an entry in ClinVar:

NM_001242809.2(ANKRD6):c.1907C>T (p.Pro636Leu)

Gene: ANKRD6 (ankyrin repeat domain 6; plus strand). Cytogenetic location: 6q15.
Variant type: single nucleotide variant.
Coding change: c.1907C>T on transcript NM_001242809.2 (MANE Select); coding-DNA position 1907, C replaced by T.
Protein change: p.Pro636Leu; replaces proline 636 with leucine.
Molecular consequence: missense variant.
Genome position (GRCh38, 1-based): chr6:89,630,727, C>T. VCF-style: chr6-89630727-C-T. GRCh37 (hg19) VCF-style: chr6-90340446-C-T.
Other names: c.1907C>T, p.Pro636Leu (NM_001242811.1); c.1802C>T, p.Pro601Leu (NM_001242813.1); c.1715C>T, p.Pro572Leu (NM_001242814.1); c.1892C>T, p.Pro631Leu (NM_014942.4); short protein forms P572L, P601L, P631L, P636L.
Identifiers: ClinVar variation 3060598 (VCV003060598.2), dbSNP rs61739327, ClinGen allele CA3921678.
Genomic context (GRCh38, chr6:89,630,727, plus strand): 5'-GAGGCACTCAAACTAAGAAGTCTGGGAAGAGTGGGCCAACAAGGCATCGTGCCCAGCAAC[C>T]CGCAGCCAGCAGCACCTGTGGGCAGCCGCCACCAGCCACAGGCAGCGAGCAGACTGGCCC-3'
Protein context (NP_001229738.1, residues 626-646): SGPTRHRAQQ[Pro636Leu]AASSTCGQPP

ClinVar aggregate classification (germline): Benign (0 of 4 stars; one submission).

Conditions:
ANKRD6-related disorder. Also called: ANKRD6-related condition.

Allele frequency attached by ClinVar (database versions not stated): 1000 Genomes Project 30x 0.08635; 1000 Genomes Project 0.08886; TOPMed 0.09278; gnomAD 0.09816; ESP Exome Variant Server 0.10101; ExAC 0.12017; gnomAD exomes 0.13248.
gnomAD v4.1: 208,168 of 1,613,606 alleles (13%); highest among the groups gnomAD compares: South Asian, 17%; 14,490 homozygotes.

Submission:

PreventionGenetics, part of Exact Sciences
Classification: Benign for ANKRD6-related condition. Last evaluated: 2019-10-23. Review status: no assertion criteria provided. Collection method: clinical testing. Allele origin: germline.
Comment: This variant is classified as benign based on ACMG/AMP sequence variant interpretation guidelines (Richards et al. 2015 PMID: 25741868, with internal and published modifications).